The following is an entry in ClinVar:

ClinVar aggregate classification (germline): Uncertain significance (1 of 4 stars; one submission).

Conditions:
Gastrointestinal stromal tumor. Also called: Gastrointestinal stromal tumor, somatic; Gastrointestinal stroma tumor. Identifiers: Orphanet 44890, MedGen C0238198, MeSH D046152, MONDO:0011719, OMIM 606764, HP:0100723.

Allele frequency attached by ClinVar (database versions not stated): gnomAD exomes below 0.00001.
gnomAD v4.1: 1 of 1,613,820 alleles (0.000062%); highest among the groups gnomAD compares: South Asian, 0.0011%; no homozygotes.

Submission:

Labcorp Genetics (formerly Invitae), Labcorp
Classification: Uncertain significance for Gastrointestinal stromal tumor. Last evaluated: 2024-03-17. Review status: criteria provided, single submitter. Criteria: Invitae Variant Classification Sherloc (09022015). Collection method: clinical testing. Allele origin: germline.
Comment: This sequence change replaces isoleucine, which is neutral and non-polar, with serine, which is neutral and polar, at codon 370 of the PDGFRA protein (p.Ile370Ser). This variant is not present in population databases (gnomAD no frequency). This variant has not been reported in the literature in individuals affected with PDGFRA-related conditions. Advanced modeling of protein sequence and biophysical properties (such as structural, functional, and spatial information, amino acid conservation, physicochemical variation, residue mobility, and thermodynamic stability) performed at Invitae indicates that this missense variant is not expected to disrupt PDGFRA protein function with a negative predictive value of 80%. In summary, the available evidence is currently insufficient to determine the role of this variant in disease. Therefore, it has been classified as a Variant of Uncertain Significance.

NM_006206.6(PDGFRA):c.1109T>G (p.Ile370Ser)

Gene: PDGFRA (platelet derived growth factor receptor alpha; plus strand). Cytogenetic location: 4q12.
Variant type: single nucleotide variant.
Coding change: c.1109T>G on transcript NM_006206.6 (MANE Select); coding-DNA position 1109, T replaced by G.
Protein change: p.Ile370Ser; replaces isoleucine 370 with serine.
Molecular consequence: missense variant.
Genome position (GRCh38, 1-based): chr4:54,267,729, T>G. VCF-style: chr4-54267729-T-G. GRCh37 (hg19) VCF-style: chr4-55133896-T-G.
Other names: c.1109T>G, p.Ile370Ser (NM_001347827.2, NM_001347829.2); c.1184T>G, p.Ile395Ser (NM_001347828.2); c.1148T>G, p.Ile383Ser (NM_001347830.2); short protein forms I383S, I395S, I370S.
Identifiers: ClinVar variation 2829202 (VCV002829202.3), dbSNP rs2475456722, ClinGen allele CA356891819.